The following is an entry in ClinVar:

ClinVar aggregate classification (germline): Uncertain significance (1 of 4 stars; one submission).

Allele frequency attached by ClinVar (database versions not stated): TOPMed below 0.00001; gnomAD 0.00001.
gnomAD v4.1: 14 of 1,613,770 alleles (0.00087%); highest among the groups gnomAD compares: African/African-American, 0.0027%; no homozygotes.

Submission:

Labcorp Genetics (formerly Invitae), Labcorp
Classification: Uncertain significance. Last evaluated: 2023-06-25. Review status: criteria provided, single submitter. Criteria: Invitae Variant Classification Sherloc (09022015). Collection method: clinical testing. Allele origin: germline.
Comment: In summary, the available evidence is currently insufficient to determine the role of this variant in disease. Therefore, it has been classified as a Variant of Uncertain Significance. An algorithm developed to predict the effect of missense changes on protein structure and function (PolyPhen-2) suggests that this variant is likely to be disruptive. This variant has not been reported in the literature in individuals affected with ITGAM-related conditions. This variant is not present in population databases (gnomAD no frequency). This sequence change replaces proline, which is neutral and non-polar, with serine, which is neutral and polar, at codon 869 of the ITGAM protein (p.Pro869Ser).

NM_000632.4(ITGAM):c.2605C>T (p.Pro869Ser)

Gene: ITGAM (integrin subunit alpha M; plus strand). Cytogenetic location: 16p11.2.
Variant type: single nucleotide variant.
Coding change: c.2605C>T on transcript NM_000632.4 (MANE Select); coding-DNA position 2605, C replaced by T.
Protein change: p.Pro869Ser; replaces proline 869 with serine.
Molecular consequence: missense variant.
Genome position (GRCh38, 1-based): chr16:31,325,599, C>T. VCF-style: chr16-31325599-C-T. GRCh37 (hg19) VCF-style: chr16-31336920-C-T.
Other names: c.2608C>T, p.Pro870Ser (NM_001145808.2); short protein forms P869S, P870S.
Identifiers: ClinVar variation 3021688 (VCV003021688.3), dbSNP rs2080500903, ClinGen allele CA395692895.